The following is an entry in ClinVar:

NM_002485.5(NBN):c.1029dup (p.Gln344fs)

Gene: NBN (nibrin; minus strand). Cytogenetic location: 8q21.3.
Variant type: Duplication.
Coding change: c.1029dup on transcript NM_002485.5 (MANE Select); coding-DNA position 1029, one base duplicated (A; older notation c.1029dupA).
Protein change: p.Gln344fs; shifts the reading frame from glutamine 344.
Molecular consequence: frameshift variant.
Genome position (GRCh38, 1-based): chr8:89,958,820, T duplicated on the plus strand (A on the coding strand, the reverse complement: NBN is on the minus strand). VCF-style (leftmost placement, unchanged base first): chr8-89958819-G-GT. GRCh37 (hg19) VCF-style: chr8-90971047-G-GT.
Other names: c.783dup, p.Gln262fs (NM_001024688.3); short protein forms Q262fs, Q344fs.
Identifiers: ClinVar variation 2676939 (VCV002676939.3), dbSNP rs1563539146, ClinGen allele CA913187644.

ClinVar aggregate classification (germline): Likely pathogenic. Review status: criteria provided, multiple submitters, no conflicts (2 of 4 stars). 2 submissions from 2 submitters: Likely pathogenic (2). Last evaluated 2023-08-20.

Conditions:
Aplastic anemia. Identifiers: Orphanet 182040, Orphanet 88, MedGen C0002874, MONDO:0015909, OMIM 609135, HP:0001915.
Acute lymphoid leukemia (ALL). Also called: Lymphoblastic leukemia; Leukemia, acute lymphoblastic, somatic; Acute lymphoblastic leukemia; Acute lymphocytic leukemia. Identifiers: Orphanet 513, MedGen C0023449, MONDO:0004967, OMIM 613065, HP:0006721.
Microcephaly, normal intelligence and immunodeficiency (NBS). Also called: IMMUNODEFICIENCY, MICROCEPHALY, AND CHROMOSOMAL INSTABILITY; SEEMANOVA SYNDROME II; Nijmegen breakage syndrome; Microcephaly with normal intelligence immunodeficiency and lymphoreticular malignancies; Nonsyndromal microcephaly autosomal recessive with normal intelligence; Seemanova syndrome 2. Identifiers: Orphanet 647, MedGen C0398791, MONDO:0009623, OMIM 251260.

Submissions (2):

Baylor Genetics
Classification: Likely pathogenic for Aplastic anemia. Last evaluated: 2023-08-20. Review status: criteria provided, single submitter. Criteria: ACMG Guidelines, 2015. Collection method: clinical testing. Allele origin: unknown.

Juno Genomics, Hangzhou Juno Genomics, Inc
Classification: Likely pathogenic for Aplastic anemia; Acute lymphoid leukemia; Microcephaly, normal intelligence and immunodeficiency. Review status: criteria provided, single submitter. Criteria: ACMG Guidelines, 2015. Collection method: clinical testing. Allele origin: germline. Affected: yes.
Comment: Absent from controls (or at extremely low frequency if recessive) in Genome Aggregation Database, Exome Sequencing Project, 1000 Genomes Project, or Exome Aggregation Consortium.;Null variant in a gene where loss of function (LOF) is a known mechanism of disease.